The following is an entry in ClinVar:

NM_017514.5(PLXNA3):c.1672-8T>C

Gene: PLXNA3 (plexin A3; plus strand). Cytogenetic location: Xq28.
Variant type: single nucleotide variant.
Coding change: c.1672-8T>C on transcript NM_017514.5 (MANE Select); 8 bases into the intron before coding-DNA position 1672, T replaced by C.
Molecular consequence: intron variant.
Genome position (GRCh38, 1-based): chrX:154,464,149, T>C. VCF-style: chrX-154464149-T-C. GRCh37 (hg19) VCF-style: chrX-153692492-T-C.
Identifiers: ClinVar variation 4988052 (VCV004988052.1).

ClinVar aggregate classification (germline): Likely benign (1 of 4 stars; one submission).

Conditions:
PLXNA3-related disorder. Also called: PLXNA3-related condition.

gnomAD v4.1: 2 of 1,207,360 alleles (0.00017%); highest among the groups gnomAD compares: Admixed American, 0.0044%; no homozygotes.

Submission:

PreventionGenetics, part of Exact Sciences
Classification: Likely benign for PLXNA3-related condition. Last evaluated: 2026-03-04. Review status: criteria provided, single submitter. Criteria: ACMG Guidelines, 2015. Collection method: clinical testing. Allele origin: germline.
Comment: This variant is classified as likely benign based on ACMG/AMP sequence variant interpretation guidelines (Richards et al. 2015 PMID: 25741868, with internal and published modifications).